The following is an entry in ClinVar:

ClinVar aggregate classification (germline): Uncertain significance (1 of 4 stars; one submission).

Conditions:
Glycogen storage disease XV (GSD15). Also called: GLYCOGENIN DEFICIENCY; GSD XV. Identifiers: Orphanet 263297, MedGen C3150754, MONDO:0013291, OMIM 613507.
Polyglucosan body myopathy type 2. Identifiers: Orphanet 456369, MedGen C4015452, MONDO:0014526, OMIM 616199.

Allele frequency attached by ClinVar (database versions not stated): gnomAD 0.00001.
gnomAD v4.1: 1 of 1,603,158 alleles (0.000062%); highest among the groups gnomAD compares: Non-Finnish European, 0.000085%; no homozygotes.

Submission:

Labcorp Genetics (formerly Invitae), Labcorp
Classification: Uncertain significance for Polyglucosan body myopathy type 2; Glycogen storage disease XV. Last evaluated: 2021-06-21. Review status: criteria provided, single submitter. Criteria: Invitae Variant Classification Sherloc (09022015). Collection method: clinical testing. Allele origin: germline.
Comment: Algorithms developed to predict the effect of missense changes on protein structure and function (SIFT, PolyPhen-2, Align-GVGD) all suggest that this variant is likely to be tolerated, but these predictions have not been confirmed by published functional studies and their clinical significance is uncertain. This sequence change replaces threonine with isoleucine at codon 270 of the GYG1 protein (p.Thr270Ile). The threonine residue is weakly conserved and there is a moderate physicochemical difference between threonine and isoleucine. This variant is not present in population databases (ExAC no frequency). This variant has not been reported in the literature in individuals with GYG1-related conditions. In summary, the available evidence is currently insufficient to determine the role of this variant in disease. Therefore, it has been classified as a Variant of Uncertain Significance.

NM_004130.4(GYG1):c.809C>T (p.Thr270Ile)

Gene: GYG1 (glycogenin 1; plus strand). Cytogenetic location: 3q24.
Variant type: single nucleotide variant.
Coding change: c.809C>T on transcript NM_004130.4 (MANE Select); coding-DNA position 809, C replaced by T.
Protein change: p.Thr270Ile; replaces threonine 270 with isoleucine.
Molecular consequence: missense variant. On other transcripts: intron variant (1).
Genome position (GRCh38, 1-based): chr3:149,024,253, C>T. VCF-style: chr3-149024253-C-T. GRCh37 (hg19) VCF-style: chr3-148742040-C-T.
Other names: c.809C>T, p.Thr270Ile (NM_001184720.2); c.609-2507C>T (NM_001184721.2); short protein forms T270I.
Identifiers: ClinVar variation 1414527 (VCV001414527.8), dbSNP rs1198924627, ClinGen allele CA354908813.